The following is an entry in ClinVar:

NM_004260.4(RECQL4):c.3071C>T (p.Thr1024Ile)

Gene: RECQL4 (RecQ like helicase 4; minus strand). Cytogenetic location: 8q24.3.
Variant type: single nucleotide variant.
Coding change: c.3071C>T on transcript NM_004260.4 (MANE Select); coding-DNA position 3071, C replaced by T.
Protein change: p.Thr1024Ile; replaces threonine 1024 with isoleucine.
Molecular consequence: missense variant.
Genome position (GRCh38, 1-based): chr8:144,512,309, G>A on the plus strand (C>T on the coding strand, the complement: RECQL4 is on the minus strand). VCF-style: chr8-144512309-G-A. GRCh37 (hg19) VCF-style: chr8-145737692-G-A.
Other names: c.2777C>T, p.Thr926Ile (NM_001413017.1); c.2873C>T, p.Thr958Ile (NM_001413018.1); c.3146C>T, p.Thr1049Ile (NM_001413019.1); c.2975C>T, p.Thr992Ile (NM_001413020.1); c.2000C>T, p.Thr667Ile (NM_001413021.1, NM_001413022.1, NM_001413024.1 and 4 more transcripts); c.2075C>T, p.Thr692Ile (NM_001413023.1); c.2942C>T, p.Thr981Ile (NM_001413025.1); c.1934C>T, p.Thr645Ile (NM_001413027.1, NM_001413030.1, NM_001413032.1); and 9 more; short protein forms T926I, T1014I, T1024I, T645I, T657I, T958I, T980I, T992I.
Identifiers: ClinVar variation 2137515 (VCV002137515.4), dbSNP rs1459879131, ClinGen allele CA372670857.

ClinVar aggregate classification (germline): Uncertain significance (1 of 4 stars; one submission).

Conditions:
Baller-Gerold syndrome (BGS). Also called: CRANIOSYNOSTOSIS WITH RADIAL DEFECTS. Identifiers: Orphanet 1225, MedGen C0265308, MONDO:0009039, OMIM 218600.

Allele frequency attached by ClinVar (database versions not stated): gnomAD exomes below 0.00001.
gnomAD v4.1: 3 of 1,612,420 alleles (0.00019%); highest among the groups gnomAD compares: Non-Finnish European, 0.00025%; no homozygotes.

Submission:

Labcorp Genetics (formerly Invitae), Labcorp
Classification: Uncertain significance for Baller-Gerold syndrome. Last evaluated: 2023-09-27. Review status: criteria provided, single submitter. Criteria: Invitae Variant Classification Sherloc (09022015). Collection method: clinical testing. Allele origin: germline.
Comment: This sequence change replaces threonine, which is neutral and polar, with isoleucine, which is neutral and non-polar, at codon 1024 of the RECQL4 protein (p.Thr1024Ile). This variant is present in population databases (no rsID available, gnomAD 0.0009%). This variant has not been reported in the literature in individuals affected with RECQL4-related conditions. ClinVar contains an entry for this variant (Variation ID: 2137515). Advanced modeling of protein sequence and biophysical properties (such as structural, functional, and spatial information, amino acid conservation, physicochemical variation, residue mobility, and thermodynamic stability) performed at Invitae indicates that this missense variant is expected to disrupt RECQL4 protein function. In summary, the available evidence is currently insufficient to determine the role of this variant in disease. Therefore, it has been classified as a Variant of Uncertain Significance.